The following is an entry in ClinVar:

Conditions:
Breast-ovarian cancer, familial, susceptibility to, 1 (BROVCA1). Also called: BRCA1 Hereditary Breast and Ovarian Cancer; OVARIAN CANCER, SUSCEPTIBILITY TO. Identifiers: Orphanet 145, MedGen C2676676, MONDO:0011450, OMIM 604370. Disease mechanism: loss of function.

Submission:

Brotman Baty Institute, University of Washington
No classification provided (evidence only). Condition: Breast-ovarian cancer, familial 1. Review status: no classification provided. Collection method: in vitro. Allele origin: not applicable. Functional consequence: functionally_normal.
ClinVar note: "not provided" was previously submitted as the classification for the variant. However, the classification appeared to be based only on an observation of functional data so it was converted to no classification on 2025-07-30.

NM_007294.4(BRCA1):c.5199T>C (p.Asp1733=)

Gene: BRCA1 (BRCA1 DNA repair associated; minus strand). Cytogenetic location: 17q21.31.
Variant type: single nucleotide variant.
Coding change: c.5199T>C on transcript NM_007294.4 (MANE Select); coding-DNA position 5199, T replaced by C.
Protein change: p.Asp1733=; no amino-acid change (aspartic acid 1733 retained).
Molecular consequence: synonymous variant.
Genome position (GRCh38, 1-based): chr17:43,057,130, A>G on the plus strand (T>C on the coding strand, the complement: BRCA1 is on the minus strand). VCF-style: chr17-43057130-A-G. GRCh37 (hg19) VCF-style: chr17-41209147-A-G.
Other names: c.4986T>C, p.Asp1662= (NM_001407571.1, NM_001407894.1, NM_001407895.1 and 12 more transcripts); c.5265T>C, p.Asp1755= (NM_001407581.1, NM_001407582.1); c.5262T>C, p.Asp1754= (NM_001407583.1, NM_001407585.1, NM_001407587.1 and 1 more transcripts); c.5259T>C, p.Asp1753= (NM_001407590.1, NM_001407591.1); c.5199T>C, p.Asp1733= (NM_001407593.1, NM_001407594.1, NM_001407596.1 and 7 more transcripts); c.5196T>C, p.Asp1732= (NM_001407610.1, NM_001407611.1, NM_001407612.1 and 17 more transcripts); c.5193T>C, p.Asp1731= (NM_001407627.1, NM_001407628.1, NM_001407629.1 and 14 more transcripts); c.5190T>C, p.Asp1730= (NM_001407644.1, NM_001407645.1); and 72 more.
Identifiers: ClinVar variation 868173 (VCV000868173.3), dbSNP rs2051529721, ClinGen allele CA500144895.